The following is an entry in ClinVar:

NM_001967.4(EIF4A2):c.711G>A (p.Val237=)

Gene: EIF4A2 (eukaryotic translation initiation factor 4A2; plus strand). Cytogenetic location: 3q27.3.
Variant type: single nucleotide variant.
Coding change: c.711G>A on transcript NM_001967.4 (MANE Select); coding-DNA position 711, G replaced by A.
Protein change: p.Val237=; no amino-acid change (valine 237 retained).
Molecular consequence: synonymous variant.
Genome position (GRCh38, 1-based): chr3:186,786,585, G>A. VCF-style: chr3-186786585-G-A. GRCh37 (hg19) VCF-style: chr3-186504374-G-A.
Identifiers: ClinVar variation 3897295 (VCV003897295.2).

ClinVar aggregate classification (germline): Uncertain significance (1 of 4 stars; one submission).

Submission:

GeneDx
Classification: Uncertain significance. Last evaluated: 2026-10-06. Review status: criteria provided, single submitter. Criteria: GeneDx Variant Classification Process June 2021. Collection method: clinical testing. Allele origin: germline.
Comment: Not observed at significant frequency in large population cohorts (gnomAD); Has not been previously published as pathogenic or benign to our knowledge; In silico analysis suggests this variant may impact gene splicing. In the absence of RNA/functional studies, the actual effect of this sequence change is unknown..